The following is an entry in ClinVar:

NM_005502.4(ABCA1):c.2915G>A (p.Arg972Gln)

Gene: ABCA1 (ATP binding cassette subfamily A member 1; minus strand). Cytogenetic location: 9q31.1.
Variant type: single nucleotide variant.
Coding change: c.2915G>A on transcript NM_005502.4 (MANE Select); coding-DNA position 2915, G replaced by A.
Protein change: p.Arg972Gln; replaces arginine 972 with glutamine.
Molecular consequence: missense variant.
Genome position (GRCh38, 1-based): chr9:104,821,420, C>T on the plus strand (G>A on the coding strand, the complement: ABCA1 is on the minus strand). VCF-style: chr9-104821420-C-T. GRCh37 (hg19) VCF-style: chr9-107583701-C-T.
Other names: short protein forms R972Q.
Identifiers: ClinVar variation 3492147 (VCV003492147.1).

ClinVar aggregate classification (germline): Uncertain significance (1 of 4 stars; one submission).

Conditions:
Cardiovascular phenotype. Identifiers: MedGen CN230736.

gnomAD v4.1: 4 of 1,613,968 alleles (0.00025%); highest among the groups gnomAD compares: African/African-American, 0.0013%; no homozygotes.

Submission:

Ambry Genetics
Classification: Uncertain significance for Cardiovascular phenotype. Last evaluated: 2024-08-25. Review status: criteria provided, single submitter. Criteria: Ambry Variant Classification Scheme 2023. Collection method: clinical testing. Allele origin: germline.
Comment: The p.R972Q variant (also known as c.2915G>A), located in coding exon 19 of the ABCA1 gene, results from a G to A substitution at nucleotide position 2915. The arginine at codon 972 is replaced by glutamine, an amino acid with highly similar properties. This amino acid position is conserved. In addition, this alteration is predicted to be deleterious by in silico analysis. Based on the available evidence, the clinical significance of this variant remains unclear.